The following is an entry in ClinVar:

NM_001267550.2(TTN):c.28556G>A (p.Gly9519Asp)

Gene: TTN (titin; minus strand). Cytogenetic location: 2q31.2.
Variant type: single nucleotide variant.
Coding change: c.28556G>A on transcript NM_001267550.2 (MANE Select); coding-DNA position 28556, G replaced by A.
Protein change: p.Gly9519Asp; replaces glycine 9519 with aspartic acid.
Molecular consequence: missense variant. On other transcripts: intron variant (3).
Genome position (GRCh38, 1-based): chr2:178,709,763, C>T on the plus strand (G>A on the coding strand, the complement: TTN is on the minus strand). VCF-style: chr2-178709763-C-T. GRCh37 (hg19) VCF-style: chr2-179574490-C-T.
Other names: c.27605G>A, p.Gly9202Asp (NM_001256850.1); c.24824G>A, p.Gly8275Asp (NM_133378.4); c.13282+28319G>A (NM_003319.4); c.13858+28319G>A (NM_133437.4); c.13657+28319G>A (NM_133432.3); short protein forms G9202D, G8275D, G9519D.
Identifiers: ClinVar variation 4978917 (VCV004978917.1).
Genomic context (GRCh38, chr2:178,709,763, plus strand): 5'-TTAGAAGTTGGTTGTATCTCTATATTATTTTTGTACCAGGCAACAGTTATAGGTTGGGAA[C>T]CAGCCACACGTCCCTCAAGTTTGAAAGAATTCCCTTCTGTTTCTTCTACTGTCTCTGAGA-3'
Protein context (NP_001254479.2, residues 9509-9529): NSFKLEGRVA[Gly9519Asp]SQPITVAWYK

ClinVar aggregate classification (germline): Uncertain significance (1 of 4 stars; one submission).

Conditions:
TTN-related disorder. Also called: TTN-related condition; TTN-related disease; TTN-related disorders.

gnomAD v4.1: 1 of 1,613,824 alleles (0.000062%); highest among the groups gnomAD compares: Non-Finnish European, 0.000085%; no homozygotes.

Submission:

PreventionGenetics, part of Exact Sciences
Classification: Uncertain significance for TTN-related condition. Last evaluated: 2025-12-04. Review status: criteria provided, single submitter. Criteria: ACMG Guidelines, 2015. Collection method: clinical testing. Allele origin: germline.
Comment: The TTN c.28556G>A variant is predicted to result in the amino acid substitution p.Gly9519Asp. To our knowledge, this variant has not been reported in the literature or in a large population database (gnomAD), indicating this variant is rare. At this time, the clinical significance of this variant is uncertain due to the absence of conclusive functional and genetic evidence.